The following is an entry in ClinVar:

ClinVar aggregate classification (germline): Benign (1 of 4 stars; one submission).

Allele frequency attached by ClinVar (database versions not stated): 1000 Genomes Project 30x 0.79482; 1000 Genomes Project 0.79633; TOPMed 0.80006; gnomAD 0.82581.
gnomAD v4.1: 124,262 of 151,958 alleles (82%); highest among the groups gnomAD compares: Non-Finnish European, 89%; 51,554 homozygotes.

Submission:

GeneDx
Classification: Benign. Last evaluated: 2018-06-18. Review status: criteria provided, single submitter. Criteria: GeneDx Variant Classification (06012015). Collection method: clinical testing. Allele origin: germline. Affected: yes.
Comment: This variant is considered likely benign or benign based on one or more of the following criteria: it is a conservative change, it occurs at a poorly conserved position in the protein, it is predicted to be benign by multiple in silico algorithms, and/or has population frequency not consistent with disease.

NM_152594.3(SPRED1):c.423+272A>G

Gene: SPRED1 (sprouty related EVH1 domain containing 1; plus strand). Cytogenetic location: 15q14.
Variant type: single nucleotide variant.
Coding change: c.423+272A>G on transcript NM_152594.3 (MANE Select); 272 bases into the intron after coding-DNA position 423, A replaced by G.
Molecular consequence: intron variant.
Genome position (GRCh38, 1-based): chr15:38,325,081, A>G. VCF-style: chr15-38325081-A-G. GRCh37 (hg19) VCF-style: chr15-38617282-A-G.
Identifiers: ClinVar variation 561832 (VCV000561832.1), dbSNP rs8036371, ClinGen allele CA14169471.
Genomic context (GRCh38, chr15:38,325,081, plus strand): 5'-TGAGACAAGGTCTTGCTATGTTGCTCAAGCTGGTCTCGAACTCCTGGGCTGAAGCAACCC[A>G]CCCACCTCCCCACAGTGCTGGGATCATAGGCCTGAGCCACCGTGCCTGGCCCCAAAATCC-3'